The following is an entry in ClinVar:

ClinVar aggregate classification (germline): Uncertain significance (1 of 4 stars; one submission).

Submission:

GeneDx
Classification: Uncertain significance. Last evaluated: 2025-02-20. Review status: criteria provided, single submitter. Criteria: GeneDx Variant Classification Process June 2021. Collection method: clinical testing. Allele origin: germline. Affected: yes.
Comment: Not observed at significant frequency in large population cohorts (gnomAD); In silico analysis supports that this missense variant has a deleterious effect on protein structure/function; Has not been previously published as pathogenic or benign to our knowledge

NM_001128.6(AP1G1):c.29T>C (p.Leu10Pro)

Gene: AP1G1 (adaptor related protein complex 1 subunit gamma 1; minus strand). Cytogenetic location: 16q22.2.
Variant type: single nucleotide variant.
Coding change: c.29T>C on transcript NM_001128.6 (MANE Select); coding-DNA position 29, T replaced by C.
Protein change: p.Leu10Pro; replaces leucine 10 with proline.
Molecular consequence: missense variant.
Genome position (GRCh38, 1-based): chr16:71,789,451, A>G on the plus strand (T>C on the coding strand, the complement: AP1G1 is on the minus strand). VCF-style: chr16-71789451-A-G. GRCh37 (hg19) VCF-style: chr16-71823354-A-G.
Other names: c.29T>C, p.Leu10Pro (NM_001030007.2); short protein forms L10P.
Identifiers: ClinVar variation 4076902 (VCV004076902.1).